The following is an entry in ClinVar:

NM_000426.4(LAMA2):c.6279C>T (p.Ala2093=)

Gene: LAMA2 (laminin subunit alpha 2; plus strand). Cytogenetic location: 6q22.33.
Variant type: single nucleotide variant.
Coding change: c.6279C>T on transcript NM_000426.4 (MANE Select); coding-DNA position 6279, C replaced by T.
Protein change: p.Ala2093=; no amino-acid change (alanine 2093 retained).
Molecular consequence: synonymous variant.
Genome position (GRCh38, 1-based): chr6:129,445,671, C>T. VCF-style: chr6-129445671-C-T. GRCh37 (hg19) VCF-style: chr6-129766816-C-T.
Other names: p.Ala2093=; c.6279C>T, p.Ala2093= (NM_001079823.2).
Identifiers: ClinVar variation 477499 (VCV000477499.44), dbSNP rs141190803, ClinGen allele CA3994234.

ClinVar aggregate classification (germline): Conflicting classifications of pathogenicity. Review status: criteria provided, conflicting classifications (1 of 4 stars). 8 submissions from 8 submitters: Uncertain significance (1); Benign (1); Likely benign (5). 1 of the submissions does not count toward it. Last evaluated 2026-01-28.

Conditions:
LAMA2-related disorder. Also called: LAMA2-related disorders; LAMA2-related condition.
Congenital muscular dystrophy due to partial LAMA2 deficiency. Identifiers: MedGen C1842898.
LAMA2-related muscular dystrophy (LAMA2-RD). Also called: Laminin alpha 2-related dystrophy. Identifiers: MedGen C5679788, MONDO:0100228.

Allele frequency attached by ClinVar (database versions not stated): gnomAD exomes 0.00057 and 0.00083; ExAC 0.00101; gnomAD 0.00165 and 0.00173; 1000 Genomes Project 0.00200; TOPMed 0.00204; ESP Exome Variant Server 0.00223; 1000 Genomes Project 30x 0.00281.
gnomAD v4.1: 1,081 of 1,613,644 alleles (0.067%); highest among the groups gnomAD compares: African/African-American, 0.47%; no homozygotes.

Submissions (8):

Labcorp Genetics (formerly Invitae), Labcorp
Classification: Benign for LAMA2-related muscular dystrophy. Last evaluated: 2026-01-28. Review status: criteria provided, single submitter. Criteria: Invitae Variant Classification Sherloc (09022015). Collection method: clinical testing. Allele origin: germline.

Women's Health and Genetics/Laboratory Corporation of America, LabCorp
Classification: Likely benign. Last evaluated: 2025-09-24. Review status: criteria provided, single submitter. Criteria: LabCorp Variant Classification Summary - May 2015. Collection method: clinical testing. Allele origin: germline.

Mayo Clinic Laboratories, Mayo Clinic
Classification: Likely benign. Last evaluated: 2025-02-12. Review status: criteria provided, single submitter. Criteria: ACMG Guidelines, 2015. Collection method: clinical testing. Allele origin: germline. Observed: 5 variant alleles.
Comment: BS1, BP4

Blueprint Genetics
Classification: Likely benign. Last evaluated: 2024-11-21. Review status: criteria provided, single submitter. Criteria: ACMG Guidelines, 2015. Collection method: clinical testing. Allele origin: germline.

CeGaT Center for Human Genetics Tuebingen
Classification: Likely benign. Last evaluated: 2023-11-01. Review status: criteria provided, single submitter. Criteria: CeGaT Center For Human Genetics Tuebingen Variant Classification Criteria Version 2. Collection method: clinical testing. Allele origin: germline. Affected: yes. Observed: 5 variant alleles.
Comment: LAMA2: BP4, BP7

GeneDx
Classification: Likely benign. Last evaluated: 2021-03-25. Review status: criteria provided, single submitter. Criteria: GeneDx Variant Classification Process June 2021. Collection method: clinical testing. Allele origin: germline. Affected: yes.
Comment: This variant is associated with the following publications: (PMID: 21896784)

Illumina Laboratory Services, Illumina
Classification: Uncertain significance for Congenital muscular dystrophy due to partial LAMA2 deficiency. Last evaluated: 2017-04-27. Review status: criteria provided, single submitter. Criteria: ICSL Variant Classification Criteria 13 December 2019. Collection method: clinical testing. Allele origin: germline.
Comment: This variant was observed as part of a predisposition screen in an ostensibly healthy population. A literature search was performed for the gene, cDNA change, and amino acid change (where applicable). Publications were found based on this search. However, the evidence from the literature, in combination with allele frequency data from public databases where available, was not sufficient to rule this variant in or out of causing disease. Therefore, this variant is classified as a variant of unknown significance.

PreventionGenetics, part of Exact Sciences
Classification: Likely benign for LAMA2-related condition. Last evaluated: 2020-02-20. Review status: no assertion criteria provided. Collection method: clinical testing. Allele origin: germline. Not counted in ClinVar's aggregate classification.
Comment: This variant is classified as likely benign based on ACMG/AMP sequence variant interpretation guidelines (Richards et al. 2015 PMID: 25741868, with internal and published modifications).

Literature cited by the submitters: PubMed 21896784 (cited by Mayo Clinic Laboratories, Mayo Clinic and Illumina Laboratory Services, Illumina).